The following is an entry in ClinVar:

NM_015001.3(SPEN):c.10027-9C>T

Gene: SPEN (spen family transcriptional repressor; plus strand). Cytogenetic location: 1p36.13.
Variant type: single nucleotide variant.
Coding change: c.10027-9C>T on transcript NM_015001.3 (MANE Select); 9 bases into the intron before coding-DNA position 10027, C replaced by T.
Molecular consequence: intron variant.
Genome position (GRCh38, 1-based): chr1:15,937,154, C>T. VCF-style: chr1-15937154-C-T. GRCh37 (hg19) VCF-style: chr1-16263649-C-T.
Identifiers: ClinVar variation 4980566 (VCV004980566.1).

ClinVar aggregate classification (germline): Likely benign (1 of 4 stars; one submission).

Conditions:
SPEN-related disorder. Also called: SPEN-related condition.

gnomAD v4.1: 126 of 1,606,628 alleles (0.0078%); highest among the groups gnomAD compares: Middle Eastern, 0.037%; no homozygotes.

Submission:

PreventionGenetics, part of Exact Sciences
Classification: Likely benign for SPEN-related condition. Last evaluated: 2025-12-29. Review status: criteria provided, single submitter. Criteria: ACMG Guidelines, 2015. Collection method: clinical testing. Allele origin: germline.
Comment: This variant is classified as likely benign based on ACMG/AMP sequence variant interpretation guidelines (Richards et al. 2015 PMID: 25741868, with internal and published modifications).